The following is an entry in ClinVar:

NM_000218.3(KCNQ1):c.477+4C>T

Gene: KCNQ1 (potassium voltage-gated channel subfamily Q member 1; plus strand). Cytogenetic location: 11p15.5.
Variant type: single nucleotide variant.
Coding change: c.477+4C>T on transcript NM_000218.3 (MANE Select); 4 bases into the intron after coding-DNA position 477, C replaced by T.
Molecular consequence: intron variant.
Genome position (GRCh38, 1-based): chr11:2,528,022, C>T. VCF-style: chr11-2528022-C-T. GRCh37 (hg19) VCF-style: chr11-2549252-C-T.
Other names: c.207+4C>T (NM_001406837.1); c.477+4C>T (NM_001406836.1, NM_001406838.1); c.96+4C>T (NM_181798.2).
Identifiers: ClinVar variation 667573 (VCV000667573.11), dbSNP rs763599970, ClinGen allele CA037510.
Genomic context (GRCh38, chr11:2,528,022, plus strand): 5'-GTGCTGTCCACCATCGAGCAGTATGCCGCCCTGGCCACGGGGACTCTCTTCTGGATGGTA[C>T]GTAGCATCTGAGGGCATGGCTGGATGTCATGGCTGCCTTGGAAGCTGGCATCTCCCTGGC-3'

ClinVar aggregate classification (germline): Conflicting classifications of pathogenicity. Review status: criteria provided, conflicting classifications (1 of 4 stars). 4 submissions from 4 submitters: Uncertain significance (1); Likely benign (3). Last evaluated 2025-08-28.

Conditions:
Cardiac arrhythmia. Also called: Arrhythmia; Cardiac rhythm disease. Identifiers: MedGen C0003811, MONDO:0007263, HP:0011675.
Long QT syndrome (LQTS). Identifiers: MedGen C0023976, MeSH D008133, MONDO:0002442. Disease mechanism: loss of function. Inheritance: Various modes of inheritance.

Allele frequency attached by ClinVar (database versions not stated): gnomAD exomes 0.00001; ExAC 0.00001; gnomAD 0.00001.
gnomAD v4.1: 19 of 1,609,006 alleles (0.0012%); highest among the groups gnomAD compares: East Asian, 0.018%; no homozygotes.

Submissions (4):

Labcorp Genetics (formerly Invitae), Labcorp
Classification: Uncertain significance for Long QT syndrome. Last evaluated: 2025-08-28. Review status: criteria provided, single submitter. Criteria: Invitae Variant Classification Sherloc (09022015). Collection method: clinical testing. Allele origin: germline.
Comment: This sequence change falls in intron 2 of the KCNQ1 gene. It does not directly change the encoded amino acid sequence of the KCNQ1 protein. It affects a nucleotide within the consensus splice site. The frequency data for this variant in the population databases is considered unreliable, as metrics indicate poor data quality at this position in the gnomAD database. This variant has been observed in individual(s) with KCNQ1-related conditions (PMID: 26189708). ClinVar contains an entry for this variant (Variation ID: 667573). Variants that disrupt the consensus splice site are a relatively common cause of aberrant splicing (PMID: 17576681, 9536098). Algorithms developed to predict the effect of sequence changes on RNA splicing suggest that this variant is not likely to affect RNA splicing. In summary, the available evidence is currently insufficient to determine the role of this variant in disease. Therefore, it has been classified as a Variant of Uncertain Significance.

All of Us Research Program, National Institutes of Health
Classification: Likely benign for Long QT syndrome. Last evaluated: 2024-03-24. Review status: criteria provided, single submitter. Criteria: ACMG Guidelines, 2015. Collection method: clinical testing. Allele origin: germline. Inheritance: Autosomal dominant inheritance. Observed: 1 variant allele, 1 heterozygote.
Comment: This study involves interpretation of variants in research participants for the purpose of population health screening. Participant phenotype was not available at the time of variant classification. Additional details can be found in publication PMID: 35346344, PMCID: PMC8962531

Color Diagnostics, LLC DBA Color Health
Classification: Likely benign for Arrhythmia. Last evaluated: 2020-03-04. Review status: criteria provided, single submitter. Criteria: ACMG Guidelines, 2015. Collection method: clinical testing. Allele origin: germline.

GeneDx
Classification: Likely benign. Last evaluated: 2018-05-15. Review status: criteria provided, single submitter. Criteria: GeneDx Variant Classification (06012015). Collection method: clinical testing. Allele origin: germline. Affected: yes.
Comment: This variant is considered likely benign or benign based on one or more of the following criteria: it is a conservative change, it occurs at a poorly conserved position in the protein, it is predicted to be benign by multiple in silico algorithms, and/or has population frequency not consistent with disease.

Literature cited by the submitters: PubMed 26189708 (cited by Labcorp Genetics (formerly Invitae), Labcorp); PubMed 17576681 (cited by Labcorp Genetics (formerly Invitae), Labcorp); PubMed 9536098 (cited by Labcorp Genetics (formerly Invitae), Labcorp).